The following is an entry in ClinVar:

NM_007194.4(CHEK2):c.1061T>C (p.Leu354Ser)

Gene: CHEK2 (checkpoint kinase 2; minus strand). Cytogenetic location: 22q12.1.
Variant type: single nucleotide variant.
Coding change: c.1061T>C on transcript NM_007194.4 (MANE Select); coding-DNA position 1061, T replaced by C.
Protein change: p.Leu354Ser; replaces leucine 354 with serine.
Molecular consequence: missense variant. On other transcripts: intron variant (3).
Genome position (GRCh38, 1-based): chr22:28,696,935, A>G on the plus strand (T>C on the coding strand, the complement: CHEK2 is on the minus strand). VCF-style: chr22-28696935-A-G. GRCh37 (hg19) VCF-style: chr22-29092923-A-G.
Other names: c.1190T>C, p.Leu397Ser (NM_001005735.3); c.398T>C, p.Leu133Ser (NM_001257387.3, NM_001437942.1); c.860T>C, p.Leu287Ser (NM_001349956.3); c.1154T>C, p.Leu385Ser (NM_001438293.1); c.1009-1062T>C (NM_145862.3); c.1102-1062T>C (NM_001438295.1); c.1138-1062T>C (NM_001438294.1); c.1061T>C (NM_007194.3); short protein forms L354S, L397S, L133S, L287S, L385S.
Identifiers: ClinVar variation 2831078 (VCV002831078.4), dbSNP rs2145816590, ClinGen allele CA411097605.

ClinVar aggregate classification (germline): Uncertain significance. Review status: criteria provided, multiple submitters, no conflicts (2 of 4 stars). 2 submissions from 2 submitters: Uncertain significance (2). Last evaluated 2025-08-08.

Conditions:
Hereditary cancer-predisposing syndrome. Also called: Neoplastic Syndromes, Hereditary; Tumor predisposition; Hereditary Cancer Syndrome; Hereditary neoplastic syndrome. Identifiers: Orphanet 140162, MedGen C0027672, MeSH D009386, MONDO:0015356.
Familial cancer of breast. Also called: hereditary breast carcinoma; BREAST CANCER, FAMILIAL; Hereditary breast cancer. Identifiers: Orphanet 227535, MedGen C0346153, MONDO:0016419, OMIM 114480. Disease mechanism: loss of function.

Submissions (2):

Ambry Genetics
Classification: Uncertain significance for Hereditary cancer-predisposing syndrome. Last evaluated: 2025-08-08. Review status: criteria provided, single submitter. Criteria: Ambry Variant Classification Scheme 2023. Collection method: clinical testing. Allele origin: germline.
Comment: The p.L354S variant (also known as c.1061T>C), located in coding exon 9 of the CHEK2 gene, results from a T to C substitution at nucleotide position 1061. The leucine at codon 354 is replaced by serine, an amino acid with dissimilar properties. This variant was reported as functionally impaired in a study assessing CHEK2-complementation through quantification of KAP1 phosphorylation and CHK2 autophosphorylation in human RPE1-CHEK2-knockout cells (Stolarova L et al. Clin Cancer Res, 2023 Aug;29:3037-3050). This amino acid position is highly conserved in available vertebrate species. In addition, this alteration is predicted to be deleterious by in silico analysis. Based on the available evidence, the clinical significance of this variant remains unclear.

Labcorp Genetics (formerly Invitae), Labcorp
Classification: Uncertain significance for Familial cancer of breast. Last evaluated: 2023-10-13. Review status: criteria provided, single submitter. Criteria: Invitae Variant Classification Sherloc (09022015). Collection method: clinical testing. Allele origin: germline.
Comment: This sequence change replaces leucine, which is neutral and non-polar, with serine, which is neutral and polar, at codon 354 of the CHEK2 protein (p.Leu354Ser). This variant is not present in population databases (gnomAD no frequency). This variant has not been reported in the literature in individuals affected with CHEK2-related conditions. An algorithm developed to predict the effect of missense changes on protein structure and function (PolyPhen-2) suggests that this variant is likely to be disruptive. In summary, the available evidence is currently insufficient to determine the role of this variant in disease. Therefore, it has been classified as a Variant of Uncertain Significance.

Literature cited by the submitters: PubMed 37449874 (cited by Ambry Genetics).